The following is an entry in ClinVar:

NM_001291303.3(FAT4):c.8021A>C (p.Asp2674Ala)

Gene: FAT4 (FAT atypical cadherin 4; plus strand). Cytogenetic location: 4q28.1.
Variant type: single nucleotide variant.
Coding change: c.8021A>C on transcript NM_001291303.3 (MANE Select); coding-DNA position 8021, A replaced by C.
Protein change: p.Asp2674Ala; replaces aspartic acid 2674 with alanine.
Molecular consequence: missense variant.
Genome position (GRCh38, 1-based): chr4:125,449,031, A>C. VCF-style: chr4-125449031-A-C. GRCh37 (hg19) VCF-style: chr4-126370186-A-C.
Other names: c.8021A>C, p.Asp2674Ala (NM_001291285.3); c.8015A>C, p.Asp2672Ala (NM_024582.6); short protein forms D2672A, D2674A.
Identifiers: ClinVar variation 3343806 (VCV003343806.1).

ClinVar aggregate classification (germline): Uncertain significance (1 of 4 stars; one submission).

gnomAD v4.1: 2 of 1,613,684 alleles (0.00012%); highest among the groups gnomAD compares: Non-Finnish European, 0.00017%; no homozygotes.

Submission:

GeneDx
Classification: Uncertain significance. Last evaluated: 2023-05-26. Review status: criteria provided, single submitter. Criteria: GeneDx Variant Classification Process June 2021. Collection method: clinical testing. Allele origin: germline. Affected: yes.
Comment: Not observed at significant frequency in large population cohorts (gnomAD); In silico analysis supports that this missense variant does not alter protein structure/function; Has not been previously published as pathogenic or benign to our knowledge